The following is an entry in ClinVar:

ClinVar aggregate classification (germline): Uncertain significance (1 of 4 stars; one submission).

Conditions:
Dextro-looped transposition of the great arteries. Also called: Dextrotransposition of the great arteries. Identifiers: Orphanet 860, MedGen C3531771, MONDO:0019443, OMIM 608808, HP:0031348.

Allele frequency attached by ClinVar (database versions not stated): TOPMed below 0.00001; ExAC 0.00001; gnomAD 0.00001; gnomAD exomes 0.00001.
gnomAD v4.1: 4 of 1,614,048 alleles (0.00025%); highest among the groups gnomAD compares: Admixed American, 0.005%; no homozygotes.

Submission:

Labcorp Genetics (formerly Invitae), Labcorp
Classification: Uncertain significance for Dextro-looped transposition of the great arteries. Last evaluated: 2023-11-28. Review status: criteria provided, single submitter. Criteria: Invitae Variant Classification Sherloc (09022015). Collection method: clinical testing. Allele origin: germline.
Comment: This sequence change replaces asparagine, which is neutral and polar, with aspartic acid, which is acidic and polar, at codon 36 of the MED13L protein (p.Asn36Asp). This variant is present in population databases (rs759751651, gnomAD 0.006%). This variant has not been reported in the literature in individuals affected with MED13L-related conditions. Advanced modeling of protein sequence and biophysical properties (such as structural, functional, and spatial information, amino acid conservation, physicochemical variation, residue mobility, and thermodynamic stability) has been performed at Invitae for this missense variant, however the output from this modeling did not meet the statistical confidence thresholds required to predict the impact of this variant on MED13L protein function. In summary, the available evidence is currently insufficient to determine the role of this variant in disease. Therefore, it has been classified as a Variant of Uncertain Significance.

NM_015335.5(MED13L):c.106A>G (p.Asn36Asp)

Gene: MED13L (mediator complex subunit 13L; minus strand). Cytogenetic location: 12q24.21.
Variant type: single nucleotide variant.
Coding change: c.106A>G on transcript NM_015335.5 (MANE Select); coding-DNA position 106, A replaced by G.
Protein change: p.Asn36Asp; replaces asparagine 36 with aspartic acid.
Molecular consequence: missense variant.
Genome position (GRCh38, 1-based): chr12:116,237,672, T>C on the plus strand (A>G on the coding strand, the complement: MED13L is on the minus strand). VCF-style: chr12-116237672-T-C. GRCh37 (hg19) VCF-style: chr12-116675477-T-C.
Other names: short protein forms N36D.
Identifiers: ClinVar variation 2996095 (VCV002996095.3), dbSNP rs759751651, ClinGen allele CA6811821.
Genomic context (GRCh38, chr12:116,237,672, plus strand): 5'-TTGGATCATCTTGGGCTGGGGCTGAAATTATGGGTCCACAGTCCCCATGCCCTCCAAAAT[T>C]GTACCTACGCCATTTGATTCCCGTGAGTTCAGCCTGGAAAAAGACAAAAAATTGTAATCG-3'
Protein context (NP_056150.1, residues 26-46): ELTGIKWRRY[Asn36Asp]FGGHGDCGPI